The following is an entry in ClinVar:

ClinVar aggregate classification (germline): Conflicting classifications of pathogenicity. Review status: criteria provided, conflicting classifications (1 of 4 stars). 6 submissions from 6 submitters: Uncertain significance (5); Likely benign (1). Last evaluated 2026-01-19.

Conditions:
Hereditary cancer-predisposing syndrome. Also called: Tumor predisposition; Neoplastic Syndromes, Hereditary; Hereditary Cancer Syndrome; Hereditary neoplastic syndrome. Identifiers: Orphanet 140162, MedGen C0027672, MeSH D009386, MONDO:0015356.
Mandibular hypoplasia-deafness-progeroid syndrome. Also called: Mandibular hypoplasia, deafness, progeroid features, and lipodystrophy syndrome. Identifiers: Orphanet 363649, MedGen C3715192, MONDO:0014157, OMIM 615381.
POLD1-related polyposis and colorectal cancer syndrome (CRCS10). Also called: Colorectal cancer 10; COLORECTAL CANCER, SUSCEPTIBILITY TO, ON CHROMOSOME 19q; Colorectal cancer, susceptibility to, 10. Identifiers: Orphanet 220460, MedGen C2675481, MONDO:0012953, OMIM 612591.
Immunodeficiency 120. Identifiers: MedGen C5935622, MONDO:0970994, OMIM 620836.

Allele frequency attached by ClinVar (database versions not stated): gnomAD exomes 0.00001.

Submissions (6):

Labcorp Genetics (formerly Invitae), Labcorp
Classification: Uncertain significance for POLD1-related polyposis and colorectal cancer syndrome. Last evaluated: 2026-01-19. Review status: criteria provided, single submitter. Criteria: Invitae Variant Classification Sherloc (09022015). Collection method: clinical testing. Allele origin: germline.
Comment: This sequence change replaces glutamine, which is neutral and polar, with glutamic acid, which is acidic and polar, at codon 109 of the POLD1 protein (p.Gln109Glu). This variant is present in population databases (no rsID available, gnomAD 0.01%). This variant has not been reported in the literature in individuals affected with POLD1-related conditions. ClinVar contains an entry for this variant (Variation ID: 568963). An algorithm developed to predict the effect of missense changes on protein structure and function (PolyPhen-2) suggests that this variant is likely to be tolerated. In summary, the available evidence is currently insufficient to determine the role of this variant in disease. Therefore, it has been classified as a Variant of Uncertain Significance.

Ambry Genetics
Classification: Likely benign for Hereditary cancer-predisposing syndrome. Last evaluated: 2025-04-16. Review status: criteria provided, single submitter. Criteria: Ambry Variant Classification Scheme 2023. Collection method: clinical testing. Allele origin: germline.

GeneDx
Classification: Uncertain significance. Last evaluated: 2024-02-20. Review status: criteria provided, single submitter. Criteria: GeneDx Variant Classification Process June 2021. Collection method: clinical testing. Allele origin: germline. Affected: yes.
Comment: Not observed at significant frequency in large population cohorts (gnomAD); In silico analysis supports that this missense variant does not alter protein structure/function; Has not been previously published as pathogenic or benign in germline to our knowledge; This variant is associated with the following publications: (PMID: 29056344)

Fulgent Genetics
Classification: Uncertain significance for POLD1-related polyposis and colorectal cancer syndrome; Mandibular hypoplasia-deafness-progeroid syndrome; Immunodeficiency 120. Last evaluated: 2024-01-02. Review status: criteria provided, single submitter. Criteria: ACMG Guidelines, 2015. Collection method: clinical testing. Allele origin: germline.

Blueprint Genetics
Classification: Uncertain significance. Last evaluated: 2023-05-23. Review status: criteria provided, single submitter. Criteria: ACMG Guidelines, 2015. Collection method: clinical testing. Allele origin: germline.

Breakthrough Genomics
Classification: Uncertain significance. Review status: criteria provided, single submitter. Criteria: ACMG Guidelines, 2015. Collection method: not provided. Allele origin: germline. Inheritance: Autosomal dominant inheritance. Affected: yes.

NM_002691.4(POLD1):c.325C>G (p.Gln109Glu)

Gene: POLD1 (DNA polymerase delta 1, catalytic subunit; plus strand). Cytogenetic location: 19q13.33.
Variant type: single nucleotide variant.
Coding change: c.325C>G on transcript NM_002691.4 (MANE Select); coding-DNA position 325, C replaced by G.
Protein change: p.Gln109Glu; replaces glutamine 109 with glutamic acid.
Molecular consequence: missense variant. On other transcripts: non-coding transcript variant (1).
Genome position (GRCh38, 1-based): chr19:50,401,786, C>G. VCF-style: chr19-50401786-C-G. GRCh37 (hg19) VCF-style: chr19-50905043-C-G.
Other names: c.325C>G, p.Gln109Glu (NM_001256849.1, NM_001308632.1); c.325C>G (NM_002691.2); short protein forms Q109E.
Identifiers: ClinVar variation 568963 (VCV000568963.16), dbSNP rs1334973313, ClinGen allele CA406972072.